The following is an entry in ClinVar:

ClinVar aggregate classification (germline): Uncertain significance (1 of 4 stars; one submission).

gnomAD v4.1: 6 of 1,614,180 alleles (0.00037%); highest among the groups gnomAD compares: Non-Finnish European, 0.00051%; no homozygotes.

Submission:

Women's Health and Genetics/Laboratory Corporation of America, LabCorp
Classification: Uncertain significance. Last evaluated: 2025-07-23. Review status: criteria provided, single submitter. Criteria: LabCorp Variant Classification Summary - May 2015. Collection method: clinical testing. Allele origin: germline.
Comment: Variant summary: KDM6B c.59G>A (p.Gly20Glu) results in a non-conservative amino acid change in the encoded protein sequence. Algorithms developed to predict the effect of missense changes on protein structure and function are either unavailable or do not agree on the potential impact of this missense change. The variant was absent in 250658 control chromosomes. The available data on variant occurrences in the general population are insufficient to allow any conclusion about variant significance. To our knowledge, no occurrence of c.59G>A in individuals affected with Neurodevelopmental Disorder With Coarse Facies And Mild Distal Skeletal Abnormalities and no experimental evidence demonstrating its impact on protein function have been reported. No submitters have cited clinical-significance assessments for this variant to ClinVar. Based on the evidence outlined above, the variant was classified as uncertain significance.

NM_001348716.2(KDM6B):c.59G>A (p.Gly20Glu)

Gene: KDM6B (lysine demethylase 6B; plus strand). Cytogenetic location: 17p13.1.
Variant type: single nucleotide variant.
Coding change: c.59G>A on transcript NM_001348716.2 (MANE Select); coding-DNA position 59, G replaced by A.
Protein change: p.Gly20Glu; replaces glycine 20 with glutamic acid.
Molecular consequence: missense variant.
Genome position (GRCh38, 1-based): chr17:7,845,613, G>A. VCF-style: chr17-7845613-G-A. GRCh37 (hg19) VCF-style: chr17-7748931-G-A.
Other names: c.59G>A, p.Gly20Glu (NM_001080424.2); short protein forms G20E.
Identifiers: ClinVar variation 4526237 (VCV004526237.1).